The following is an entry in ClinVar:

ClinVar aggregate classification (germline): Conflicting classifications of pathogenicity. Review status: criteria provided, conflicting classifications (1 of 4 stars). 6 submissions from 6 submitters: Likely pathogenic (2); Uncertain significance (1). 3 of the submissions do not count toward it. Last evaluated 2026-09-16.

Conditions:
ALDH18A1-related disorder. Also called: ALDH18A1-related disorders.
Hereditary spastic paraplegia 9A. Also called: SPASTIC PARAPLEGIA 9A, AUTOSOMAL DOMINANT; CATARACTS WITH MOTOR NEURONOPATHY, SHORT STATURE, AND SKELETAL ABNORMALITIES; SPASTIC PARAPARESIS WITH AMYOTROPHY, CATARACTS, AND GASTROESOPHAGEAL REFLUX. Identifiers: Orphanet 100990, Orphanet 447753, MedGen C5568978, MONDO:0011006, OMIM 601162.
Autosomal dominant spastic paraplegia type 9. Identifiers: MedGen C1832669, MONDO:0015091.
de Barsy syndrome. Also called: Cutis laxa-corneal clouding-oligophrenia syndrome. Identifiers: Orphanet 2962, MedGen C0268354, MONDO:0017569.
Cutis laxa, autosomal dominant 3 (ADCL3). Identifiers: Orphanet 90348, MedGen C4225268, MONDO:0014706, OMIM 616603.

gnomAD v4.1: 4 of 1,612,710 alleles (0.00025%); highest among the groups gnomAD compares: Non-Finnish European, 0.00025%; no homozygotes.

Submissions (6):

PreventionGenetics, part of Exact Sciences
Classification: Likely pathogenic for ALDH18A1-related condition. Last evaluated: 2026-09-16. Review status: criteria provided, single submitter. Criteria: ACMG Guidelines, 2015. Collection method: clinical testing. Allele origin: germline.
Comment: The ALDH18A1 c.809-1G>C variant is predicted to disrupt the AG splice acceptor site and interfere with normal splicing. This variant was reported in the heterozygous state in an individual with hereditary spastic paraplegia; however, a second ALDH18A1 variant was not detected in this individual (Mahungu et al. 2023. PubMed ID: 37712079). This variant is reported in 0.0065% of alleles in individuals of European (Non-Finnish) descent in gnomAD. Variants that disrupt the consensus splice acceptor site in ALDH18A1 are expected to be pathogenic. This variant is interpreted as likely pathogenic.

Labcorp Genetics (formerly Invitae), Labcorp
Classification: Likely pathogenic for Autosomal dominant spastic paraplegia type 9; de Barsy syndrome; Cutis laxa, autosomal dominant 3. Last evaluated: 2025-06-19. Review status: criteria provided, single submitter. Criteria: Invitae Variant Classification Sherloc (09022015). Collection method: clinical testing. Allele origin: germline.
Comment: This sequence change affects an acceptor splice site in intron 7 of the ALDH18A1 gene. It is expected to disrupt RNA splicing. Variants that disrupt the donor or acceptor splice site typically lead to a loss of protein function (PMID: 16199547), and loss-of-function variants in ALDH18A1 are known to be pathogenic (PMID: 21739576, 24913064, 28567303, 28604674, 29915212). This variant is present in population databases (no rsID available, gnomAD 0.007%). This variant has not been observed in the literature in individuals with autosomal recessive ALDH18A1-related conditions. This variant has been reported in individual(s) with hereditary spastic paraplegia (PMID: 37712079); however, the role of the variant in this condition is currently unclear. ClinVar contains an entry for this variant (Variation ID: 1285129). Algorithms developed to predict the effect of sequence changes on RNA splicing suggest that this variant may disrupt the consensus splice site. In summary, the currently available evidence indicates that the variant is pathogenic, but additional data are needed to prove that conclusively. Therefore, this variant has been classified as Likely Pathogenic.

Clinical Omics and Informatics (COIN) Unit, Neuroscience Institute, University Of Cape Town
Classification: Uncertain significance for Hereditary spastic paraplegia 9A. Last evaluated: 2024-05-22. Review status: criteria provided, single submitter. Criteria: ACMG Guidelines, 2015. Collection method: research. Allele origin: germline. Inheritance: Autosomal recessive inheritance. Affected: yes. Observed: 1 variant allele, 1 heterozygote.
Comment: PM2_supporting: the highest population allele frequency in gnomAD v4.0 is 0.00006491 (0.007%; 1/15406 alleles in European non-Finnish population) and in gnomAD v3.1.2 is 0.00001470 (0.001%; 1/68028 alleles in European non-Finnish population) and the variant is absent from an internal database of 1074 control alleles. This variant has a MAF of 0.032% (32/100000 alleles) in an internal database from the Netherlands. PS4 not met: variant identified in 3 probands by clinical testing (SCV001929264.1, SCV001952732.1, SCV001970262.1) and classified as likely pathogenic for AR HSP (variant was confirmed in trans with another ALDH18A1 VUS and the parents were unaffected heterozygous carriers). PVS1 met: null variant (canonical +/- 1 or 2 splice site variant, predicted to cause exon skipping or use of a cryptic splice site which disrupts reading frame and is predicted to undergo NMD, exon is present in biologically-relevant transcript) in a gene where LOF (via a dominant negative effect) is a reported mechanism of disease (PMID: 26297558). PP3 not evaluated as PVS1 applied. Sequencing funded by the Clinical Research in ALS and Related Disorders for Therapeutic Development (CReATe) Consortium.

Clinical Genetics DNA and cytogenetics Diagnostics Lab, Erasmus MC, Erasmus Medical Center
Classification: Pathogenic. Review status: no assertion criteria provided. Collection method: clinical testing. Allele origin: germline. Affected: yes. Study: VKGL Data-share Consensus. Not counted in ClinVar's aggregate classification.

Genome Diagnostics Laboratory, University Medical Center Utrecht
Classification: Pathogenic. Review status: no assertion criteria provided. Collection method: clinical testing. Allele origin: germline. Affected: yes. Study: VKGL Data-share Consensus. Not counted in ClinVar's aggregate classification.

Joint Genome Diagnostic Labs from Nijmegen and Maastricht, Radboudumc and MUMC+
Classification: Pathogenic. Review status: no assertion criteria provided. Collection method: clinical testing. Allele origin: germline. Affected: yes. Study: VKGL Data-share Consensus. Not counted in ClinVar's aggregate classification.

Literature cited by the submitters: PubMed 16199547 (cited by Labcorp Genetics (formerly Invitae), Labcorp); PubMed 21739576 (cited by Labcorp Genetics (formerly Invitae), Labcorp); PubMed 24913064 (cited by Labcorp Genetics (formerly Invitae), Labcorp); PubMed 28567303 (cited by Labcorp Genetics (formerly Invitae), Labcorp); PubMed 28604674 (cited by Labcorp Genetics (formerly Invitae), Labcorp); PubMed 29915212 (cited by Labcorp Genetics (formerly Invitae), Labcorp); PubMed 37712079 (cited by Labcorp Genetics (formerly Invitae), Labcorp and Clinical Omics and Informatics (COIN) Unit, Neuroscience Institute, University Of Cape Town); PubMed 26297558 (cited by Clinical Omics and Informatics (COIN) Unit, Neuroscience Institute, University Of Cape Town).

NM_002860.4(ALDH18A1):c.809-1G>C

Gene: ALDH18A1 (aldehyde dehydrogenase 18 family member A1; minus strand). Cytogenetic location: 10q24.1.
Variant type: single nucleotide variant.
Coding change: c.809-1G>C on transcript NM_002860.4 (MANE Select); the canonical splice acceptor site of the intron before coding-DNA position 809, G replaced by C.
Molecular consequence: splice acceptor variant.
Genome position (GRCh38, 1-based): chr10:95,628,493, C>G on the plus strand (G>C on the coding strand, the complement: ALDH18A1 is on the minus strand). VCF-style: chr10-95628493-C-G. GRCh37 (hg19) VCF-style: chr10-97388250-C-G.
Other names: c.173-1G>C (NM_001323419.2); c.476-1G>C (NM_001323412.2, NM_001323416.2); c.704-1G>C (NM_001323417.2); c.803-1G>C (NM_001017423.2, NM_001323415.2); c.470-1G>C (NM_001323418.2); c.809-1G>C (NM_001323413.2, NM_001323414.2, NM_002860.3).
Identifiers: ClinVar variation 1285129 (VCV001285129.23), dbSNP rs1202802893, ClinGen allele CA377704295.